The following is an entry in ClinVar:

NM_030665.4(RAI1):c.2688A>G (p.Pro896=)

Gene: RAI1 (retinoic acid induced 1; plus strand). Cytogenetic location: 17p11.2.
Variant type: single nucleotide variant.
Coding change: c.2688A>G on transcript NM_030665.4 (MANE Select); coding-DNA position 2688, A replaced by G.
Protein change: p.Pro896=; no amino-acid change (proline 896 retained).
Molecular consequence: synonymous variant.
Genome position (GRCh38, 1-based): chr17:17,795,636, A>G. VCF-style: chr17-17795636-A-G. GRCh37 (hg19) VCF-style: chr17-17698950-A-G.
Identifiers: ClinVar variation 3357149 (VCV003357149.1).

ClinVar aggregate classification (germline): Likely benign (0 of 4 stars; one submission).

Conditions:
RAI1-related disorder. Also called: RAI1-related condition.

gnomAD v4.1: 1 of 1,613,190 alleles (0.000062%); highest among the groups gnomAD compares: Non-Finnish European, 0.000085%; no homozygotes.

Submission:

PreventionGenetics, part of Exact Sciences
Classification: Likely benign for RAI1-related condition. Last evaluated: 2021-07-21. Review status: no assertion criteria provided. Collection method: clinical testing. Allele origin: germline.
Comment: This variant is classified as likely benign based on ACMG/AMP sequence variant interpretation guidelines (Richards et al. 2015 PMID: 25741868, with internal and published modifications).